The following is an entry in ClinVar:

ClinVar aggregate classification (germline): Uncertain significance (1 of 4 stars; one submission).

Conditions:
Inborn genetic diseases. Identifiers: MedGen C0950123, MeSH D030342.

Submission:

Ambry Genetics
Classification: Uncertain significance for Inborn genetic diseases. Last evaluated: 2017-11-17. Review status: criteria provided, single submitter. Criteria: Ambry Variant Classification Scheme 2023. Collection method: clinical testing. Allele origin: germline.
Comment: The p.G319R variant (also known as c.955G>C), located in coding exon 6 of the CACNA1A gene, results from a G to C substitution at nucleotide position 955. The glycine at codon 319 is replaced by arginine, an amino acid with dissimilar properties. This amino acid position is highly conserved in available vertebrate species. In addition, this alteration is predicted to be deleterious by in silico analysis. Since supporting evidence is limited at this time, the clinical significance of this alteration remains unclear.

NM_001127222.2(CACNA1A):c.955G>C (p.Gly319Arg)

Gene: CACNA1A (calcium voltage-gated channel subunit alpha1 A; minus strand). Cytogenetic location: 19p13.13.
Variant type: single nucleotide variant.
Coding change: c.955G>C on transcript NM_001127222.2 (MANE Select); coding-DNA position 955, G replaced by C.
Protein change: p.Gly319Arg; replaces glycine 319 with arginine.
Molecular consequence: missense variant.
Genome position (GRCh38, 1-based): chr19:13,359,629, C>G on the plus strand (G>C on the coding strand, the complement: CACNA1A is on the minus strand). VCF-style: chr19-13359629-C-G. GRCh37 (hg19) VCF-style: chr19-13470443-C-G.
Other names: c.955G>C, p.Gly319Arg (NM_000068.4, NM_001127221.2, NM_001174080.2 and 1 more transcripts); short protein forms G319R.
Identifiers: ClinVar variation 1767386 (VCV001767386.2), dbSNP rs2513151764, ClinGen allele CA404346962.